The following is an entry in ClinVar:

NM_015102.5(NPHP4):c.1230G>T (p.Gln410His)

Gene: NPHP4 (nephrocystin 4; minus strand). Cytogenetic location: 1p36.31.
Variant type: single nucleotide variant.
Coding change: c.1230G>T on transcript NM_015102.5 (MANE Select); coding-DNA position 1230, G replaced by T.
Protein change: p.Gln410His; replaces glutamine 410 with histidine.
Molecular consequence: missense variant. On other transcripts: 5 prime UTR variant (2), non-coding transcript variant (1).
Genome position (GRCh38, 1-based): chr1:5,933,219, C>A on the plus strand (G>T on the coding strand, the complement: NPHP4 is on the minus strand). VCF-style: chr1-5933219-C-A. GRCh37 (hg19) VCF-style: chr1-5993279-C-A.
Other names: c.1230G>T (NM_015102.3, NM_015102.4); c.-137G>T (NM_001291593.2, NM_001291594.2); short protein forms Q410H.
Identifiers: ClinVar variation 1046156 (VCV001046156.9), dbSNP rs368074369, ClinGen allele CA554594.

ClinVar aggregate classification (germline): Uncertain significance. Review status: criteria provided, multiple submitters, no conflicts (2 of 4 stars). 4 submissions from 4 submitters: Uncertain significance (4). Last evaluated 2026-03-29.

Conditions:
Nephronophthisis. Also called: Juvenile Nephronophthisis. Identifiers: Orphanet 655, MedGen C0687120, MONDO:0019005, HP:0000090.
NPHP4-related disorder. Also called: NPHP4-related disorders; NPHP4-related condition. Identifiers: MedGen CN239384.
Inborn genetic diseases. Identifiers: MedGen C0950123, MeSH D030342.
Senior-Loken syndrome 4 (SLSN4). Identifiers: Orphanet 3156, MedGen C1846979, MONDO:0011756, OMIM 606996.
Nephronophthisis 4 (NPHP4). Also called: NEPHRONOPHTHISIS 4, JUVENILE. Identifiers: Orphanet 655, MedGen C1847013, MONDO:0011752, OMIM 606966.

Allele frequency attached by ClinVar (database versions not stated): gnomAD exomes 0.00001 and 0.00002; ExAC 0.00003; TOPMed 0.00008; gnomAD 0.00009; ESP Exome Variant Server 0.00016.
gnomAD v4.1: 28 of 1,613,824 alleles (0.0017%); highest among the groups gnomAD compares: African/African-American, 0.036%; no homozygotes.

Submissions (4):

PreventionGenetics, part of Exact Sciences
Classification: Uncertain significance for NPHP4-related condition. Last evaluated: 2026-03-29. Review status: criteria provided, single submitter. Criteria: ACMG Guidelines, 2015. Collection method: clinical testing. Allele origin: germline.
Comment: The NPHP4 c.1230G>T variant is predicted to result in the amino acid substitution p.Gln410His. To our knowledge, this variant has not been reported in the literature. This variant is reported in 0.033% of alleles in individuals of African descent in gnomAD. At this time, the clinical significance of this variant is uncertain due to the absence of conclusive functional and genetic evidence.

Ambry Genetics
Classification: Uncertain significance for Inborn genetic diseases. Last evaluated: 2025-09-28. Review status: criteria provided, single submitter. Criteria: Ambry Variant Classification Scheme 2023. Collection method: clinical testing. Allele origin: germline.

Fulgent Genetics
Classification: Uncertain significance for Nephronophthisis 4; Senior-Loken syndrome 4. Last evaluated: 2024-04-27. Review status: criteria provided, single submitter. Criteria: ACMG Guidelines, 2015. Collection method: clinical testing. Allele origin: germline.

Labcorp Genetics (formerly Invitae), Labcorp
Classification: Uncertain significance for Nephronophthisis. Last evaluated: 2022-09-06. Review status: criteria provided, single submitter. Criteria: Invitae Variant Classification Sherloc (09022015). Collection method: clinical testing. Allele origin: germline.
Comment: This sequence change replaces glutamine, which is neutral and polar, with histidine, which is basic and polar, at codon 410 of the NPHP4 protein (p.Gln410His). This variant is present in population databases (rs368074369, gnomAD 0.03%). This variant has not been reported in the literature in individuals affected with NPHP4-related conditions. ClinVar contains an entry for this variant (Variation ID: 1046156). Algorithms developed to predict the effect of missense changes on protein structure and function (SIFT, PolyPhen-2, Align-GVGD) all suggest that this variant is likely to be tolerated. In summary, the available evidence is currently insufficient to determine the role of this variant in disease. Therefore, it has been classified as a Variant of Uncertain Significance.